The following is an entry in ClinVar:

ClinVar aggregate classification (germline): Uncertain significance (1 of 4 stars; one submission).

Submission:

Labcorp Genetics (formerly Invitae), Labcorp
Classification: Uncertain significance. Last evaluated: 2021-11-04. Review status: criteria provided, single submitter. Criteria: Invitae Variant Classification Sherloc (09022015). Collection method: clinical testing. Allele origin: germline.
Comment: In summary, the available evidence is currently insufficient to determine the role of this variant in disease. Therefore, it has been classified as a Variant of Uncertain Significance. Algorithms developed to predict the effect of missense changes on protein structure and function are either unavailable or do not agree on the potential impact of this missense change (SIFT: "Deleterious"; PolyPhen-2: "Probably Damaging"; Align-GVGD: "Class C15"). This variant has not been reported in the literature in individuals affected with LIG1-related conditions. This variant is not present in population databases (gnomAD no frequency). This sequence change replaces lysine, which is basic and polar, with glutamic acid, which is acidic and polar, at codon 356 of the LIG1 protein (p.Lys356Glu).

NM_000234.3(LIG1):c.1066A>G (p.Lys356Glu)

Gene: LIG1 (DNA ligase 1; minus strand). Cytogenetic location: 19q13.33.
Variant type: single nucleotide variant.
Coding change: c.1066A>G on transcript NM_000234.3 (MANE Select); coding-DNA position 1066, A replaced by G.
Protein change: p.Lys356Glu; replaces lysine 356 with glutamic acid.
Molecular consequence: missense variant. On other transcripts: non-coding transcript variant (6).
Genome position (GRCh38, 1-based): chr19:48,139,992, T>C on the plus strand (A>G on the coding strand, the complement: LIG1 is on the minus strand). VCF-style: chr19-48139992-T-C. GRCh37 (hg19) VCF-style: chr19-48643249-T-C.
Other names: c.973A>G, p.Lys325Glu (NM_001289063.2); c.862A>G, p.Lys288Glu (NM_001289064.2); c.1063A>G, p.Lys355Glu (NM_001320970.2); c.976A>G, p.Lys326Glu (NM_001320971.2); short protein forms K326E, K325E, K355E, K288E, K356E.
Identifiers: ClinVar variation 1391217 (VCV001391217.6), dbSNP rs2122673951, ClinGen allele CA406649777.